The following is an entry in ClinVar:

ClinVar aggregate classification (germline): Uncertain significance (1 of 4 stars; one submission).

Conditions:
Nemaline myopathy 10 (NEM10). Identifiers: MedGen C4015360, MONDO:0014513, OMIM 616165.

Allele frequency attached by ClinVar (database versions not stated): ExAC 0.00001; gnomAD 0.00001; gnomAD exomes 0.00002; ESP Exome Variant Server 0.00008.
gnomAD v4.1: 28 of 1,612,616 alleles (0.0017%); highest among the groups gnomAD compares: Non-Finnish European, 0.0023%; no homozygotes.

Submission:

Labcorp Genetics (formerly Invitae), Labcorp
Classification: Uncertain significance for Nemaline myopathy 10. Last evaluated: 2022-07-11. Review status: criteria provided, single submitter. Criteria: Invitae Variant Classification Sherloc (09022015). Collection method: clinical testing. Allele origin: germline.
Comment: In summary, the available evidence is currently insufficient to determine the role of this variant in disease. Therefore, it has been classified as a Variant of Uncertain Significance. Algorithms developed to predict the effect of missense changes on protein structure and function (SIFT, PolyPhen-2, Align-GVGD) all suggest that this variant is likely to be disruptive. This variant has not been reported in the literature in individuals affected with LMOD3-related conditions. This variant is present in population databases (rs374901054, gnomAD 0.007%). This sequence change replaces aspartic acid, which is acidic and polar, with valine, which is neutral and non-polar, at codon 536 of the LMOD3 protein (p.Asp536Val).

NM_198271.5(LMOD3):c.1607A>T (p.Asp536Val)

Gene: LMOD3 (leiomodin 3; minus strand). Cytogenetic location: 3p14.1.
Variant type: single nucleotide variant.
Coding change: c.1607A>T on transcript NM_198271.5 (MANE Select); coding-DNA position 1607, A replaced by T.
Protein change: p.Asp536Val; replaces aspartic acid 536 with valine.
Molecular consequence: missense variant.
Genome position (GRCh38, 1-based): chr3:69,118,748, T>A on the plus strand (A>T on the coding strand, the complement: LMOD3 is on the minus strand). VCF-style: chr3-69118748-T-A. GRCh37 (hg19) VCF-style: chr3-69167899-T-A.
Other names: c.1607A>T, p.Asp536Val (NM_001304418.3); short protein forms D536V.
Identifiers: ClinVar variation 2093747 (VCV002093747.4), dbSNP rs374901054, ClinGen allele CA2488723.